The following is an entry in ClinVar:

ClinVar aggregate classification (germline): Uncertain significance (1 of 4 stars; one submission).

Conditions:
PCNT-related disorder. Also called: PCNT-related condition.

gnomAD v4.1: 3 of 1,611,644 alleles (0.00019%); highest among the groups gnomAD compares: Non-Finnish European, 0.00025%; no homozygotes.

Submission:

PreventionGenetics, part of Exact Sciences
Classification: Uncertain significance for PCNT-related condition. Last evaluated: 2025-12-28. Review status: criteria provided, single submitter. Criteria: ACMG Guidelines, 2015. Collection method: clinical testing. Allele origin: germline.
Comment: The PCNT c.559G>T variant is predicted to result in the amino acid substitution p.Val187Phe. To our knowledge, this variant has not been reported in the literature. This variant is reported in 0.00088% of alleles in individuals of European (Non-Finnish) descent in gnomAD. At this time, the clinical significance of this variant is uncertain due to the absence of conclusive functional and genetic evidence.

NM_006031.6(PCNT):c.559G>T (p.Val187Phe)

Gene: PCNT (pericentrin; plus strand). Cytogenetic location: 21q22.3.
Variant type: single nucleotide variant.
Coding change: c.559G>T on transcript NM_006031.6 (MANE Select); coding-DNA position 559, G replaced by T.
Protein change: p.Val187Phe; replaces valine 187 with phenylalanine.
Molecular consequence: missense variant.
Genome position (GRCh38, 1-based): chr21:46,334,688, G>T. VCF-style: chr21-46334688-G-T. GRCh37 (hg19) VCF-style: chr21-47754602-G-T.
Other names: c.205G>T, p.Val69Phe (NM_001315529.2); short protein forms V69F, V187F.
Identifiers: ClinVar variation 4989777 (VCV004989777.1).
Genomic context (GRCh38, chr21:46,334,688, plus strand): 5'-GAACAGCGTGGGATGTTCACAATCAGTGACCACCAACCGGAACAGCGTGGGATGTTCACA[G>T]TCAGTGACCACACACCAGAACAGCGTGGGATCTTCACAATCAGTGACCACCCAGCAGAAC-3'
Protein context (NP_006022.3, residues 177-197): HQPEQRGMFT[Val187Phe]SDHTPEQRGI